The following is an entry in ClinVar:

NM_001130987.2(DYSF):c.5481C>A (p.Asp1827Glu)

Gene: DYSF (dysferlin; plus strand). Cytogenetic location: 2p13.2.
Variant type: single nucleotide variant.
Coding change: c.5481C>A on transcript NM_001130987.2 (MANE Select); coding-DNA position 5481, C replaced by A.
Protein change: p.Asp1827Glu; replaces aspartic acid 1827 with glutamic acid.
Molecular consequence: missense variant.
Genome position (GRCh38, 1-based): chr2:71,668,777, C>A. VCF-style: chr2-71668777-C-A. GRCh37 (hg19) VCF-style: chr2-71895907-C-A.
Other names: c.5367C>A, p.Asp1789Glu (NM_001130455.2); c.5322C>A, p.Asp1774Glu (NM_001130976.2); c.5385C>A, p.Asp1795Glu (NM_001130977.2); c.5427C>A, p.Asp1809Glu (NM_001130978.2); c.5457C>A, p.Asp1819Glu (NM_001130979.2); c.5415C>A, p.Asp1805Glu (NM_001130980.2); c.5478C>A, p.Asp1826Glu (NM_001130981.2); c.5460C>A, p.Asp1820Glu (NM_001130982.2); and 5 more; short protein forms D1788E, D1827E, D1796E, D1819E, D1820E, D1826E, D1775E, D1789E.
Identifiers: ClinVar variation 197592 (VCV000197592.10), dbSNP rs794727690, ClinGen allele CA245841.
Genomic context (GRCh38, chr2:71,668,777, plus strand): 5'-GAGAAGGGTGGGGAGAGAACGGACCCTGTCTCCGCAGGGGAAGCTGCAGATGTGGGTCGA[C>A]CTATTTCCGAAGGCCCTGGGGCGGCCTGGACCTCCCTTCAACATCACCCCACGGAGAGCC-3'
Protein context (NP_001124459.1, residues 1817-1837): IEQGKLQMWV[Asp1827Glu]LFPKALGRPG

ClinVar aggregate classification (germline): Uncertain significance. Review status: criteria provided, multiple submitters, no conflicts (2 of 4 stars). 2 submissions from 2 submitters: Uncertain significance (2). Last evaluated 2021-10-23.

Conditions:
Neuromuscular disease caused by qualitative or quantitative defects of dysferlin. Also called: Qualitative or quantitative defects of dysferlin; Dysferlinopathy. Identifiers: Orphanet 207073, MedGen C2931687, MONDO:0016145.

Allele frequency attached by ClinVar (database versions not stated): gnomAD exomes below 0.00001 and 0.00001.
gnomAD v4.1: 2 of 1,613,870 alleles (0.00012%); highest among the groups gnomAD compares: Non-Finnish European, 0.00017%; no homozygotes.

Submissions (2):

Labcorp Genetics (formerly Invitae), Labcorp
Classification: Uncertain significance for Neuromuscular disease caused by qualitative or quantitative defects of dysferlin. Last evaluated: 2021-10-23. Review status: criteria provided, single submitter. Criteria: Invitae Variant Classification Sherloc (09022015). Collection method: clinical testing. Allele origin: germline.
Comment: In summary, the available evidence is currently insufficient to determine the role of this variant in disease. Therefore, it has been classified as a Variant of Uncertain Significance. Algorithms developed to predict the effect of missense changes on protein structure and function are either unavailable or do not agree on the potential impact of this missense change (SIFT: "Tolerated"; PolyPhen-2: "Possibly Damaging"; Align-GVGD: "Class C0"). ClinVar contains an entry for this variant (Variation ID: 197592). This variant has not been reported in the literature in individuals affected with DYSF-related conditions. This variant is present in population databases (rs794727690, gnomAD 0.0009%). This sequence change replaces aspartic acid, which is acidic and polar, with glutamic acid, which is acidic and polar, at codon 1788 of the DYSF protein (p.Asp1788Glu).

Eurofins Ntd Llc (ga)
Classification: Uncertain significance. Last evaluated: 2014-11-13. Review status: criteria provided, single submitter. Criteria: EGL Classification Definitions 2015. Collection method: clinical testing. Allele origin: germline. Observed: 1 variant allele, 1 heterozygote.